The following is an entry in ClinVar:

ClinVar aggregate classification (germline): Uncertain significance (1 of 4 stars; one submission).

Conditions:
Inborn genetic diseases. Identifiers: MedGen C0950123, MeSH D030342.

Submission:

Ambry Genetics
Classification: Uncertain significance for Inborn genetic diseases. Last evaluated: 2025-07-28. Review status: criteria provided, single submitter. Criteria: Ambry Variant Classification Scheme 2023. Collection method: clinical testing. Allele origin: germline.
Comment: The p.K47N variant (also known as c.141G>C), located in coding exon 1 of the SAMD9 gene, results from a G to C substitution at nucleotide position 141. The lysine at codon 47 is replaced by asparagine, an amino acid with similar properties. This amino acid position is conserved. In addition, this alteration is predicted to be tolerated by in silico analysis. Based on the available evidence, the clinical significance of this variant remains unclear.

NM_017654.4(SAMD9):c.141G>C (p.Lys47Asn)

Gene: SAMD9 (sterile alpha motif domain containing 9; minus strand). Cytogenetic location: 7q21.2.
Variant type: single nucleotide variant.
Coding change: c.141G>C on transcript NM_017654.4 (MANE Select); coding-DNA position 141, G replaced by C.
Protein change: p.Lys47Asn; replaces lysine 47 with asparagine.
Molecular consequence: missense variant.
Genome position (GRCh38, 1-based): chr7:93,105,957, C>G on the plus strand (G>C on the coding strand, the complement: SAMD9 is on the minus strand). VCF-style: chr7-93105957-C-G. GRCh37 (hg19) VCF-style: chr7-92735270-C-G.
Other names: c.141G>C, p.Lys47Asn (NM_001193307.2); short protein forms K47N.
Identifiers: ClinVar variation 4159105 (VCV004159105.1).